The following is an entry in ClinVar:

NM_004525.3(LRP2):c.2540G>A (p.Arg847His)

Gene: LRP2 (LDL receptor related protein 2; minus strand). Cytogenetic location: 2q31.1.
Variant type: single nucleotide variant.
Coding change: c.2540G>A on transcript NM_004525.3 (MANE Select); coding-DNA position 2540, G replaced by A.
Protein change: p.Arg847His; replaces arginine 847 with histidine.
Molecular consequence: missense variant.
Genome position (GRCh38, 1-based): chr2:169,257,223, C>T on the plus strand (G>A on the coding strand, the complement: LRP2 is on the minus strand). VCF-style: chr2-169257223-C-T. GRCh37 (hg19) VCF-style: chr2-170113733-C-T.
Other names: short protein forms R847H.
Identifiers: ClinVar variation 684510 (VCV000684510.16), dbSNP rs537125368, ClinGen allele CA1955266.

ClinVar aggregate classification (germline): Conflicting classifications of pathogenicity. Review status: criteria provided, conflicting classifications (1 of 4 stars). 7 submissions from 7 submitters: Uncertain significance (6); Likely benign (1). Last evaluated 2025-04-16.

Conditions:
LRP2-related disorder. Also called: LRP2-related condition.
Inborn genetic diseases. Identifiers: MedGen C0950123, MeSH D030342.
Donnai-Barrow syndrome. Also called: DBS/FOAR SYNDROME; FACIOOCULOACOUSTICORENAL SYNDROME. Identifiers: Orphanet 2143, MedGen C1857277, MONDO:0009104, OMIM 222448.

Allele frequency attached by ClinVar (database versions not stated): gnomAD 0.00006 and 0.00007; TOPMed 0.00008; gnomAD exomes 0.00018; 1000 Genomes Project 0.00020; ExAC 0.00020; 1000 Genomes Project 30x 0.00047.
gnomAD v4.1: 162 of 1,612,686 alleles (0.01%); highest among the groups gnomAD compares: South Asian, 0.08%; no homozygotes.

Submissions (7):

PreventionGenetics, part of Exact Sciences
Classification: Uncertain significance for LRP2-related condition. Last evaluated: 2025-04-16. Review status: criteria provided, single submitter. Criteria: ACMG Guidelines, 2015. Collection method: clinical testing. Allele origin: germline.
Comment: The LRP2 c.2540G>A variant is predicted to result in the amino acid substitution p.Arg847His. To our knowledge, this variant has not been reported in the literature. This variant is reported in 0.10% of alleles in individuals of South Asian descent in gnomAD. Although we suspect that this variant may be benign, at this time, the clinical significance of this variant is uncertain due to the absence of conclusive functional and genetic evidence.

Blueprint Genetics
Classification: Likely benign. Last evaluated: 2024-10-08. Review status: criteria provided, single submitter. Criteria: ACMG Guidelines, 2015. Collection method: clinical testing. Allele origin: germline.

Fulgent Genetics
Classification: Uncertain significance for Donnai-Barrow syndrome. Last evaluated: 2024-04-22. Review status: criteria provided, single submitter. Criteria: ACMG Guidelines, 2015. Collection method: clinical testing. Allele origin: germline.

GeneDx
Classification: Uncertain significance. Last evaluated: 2023-08-01. Review status: criteria provided, single submitter. Criteria: GeneDx Variant Classification Process June 2021. Collection method: clinical testing. Allele origin: germline. Affected: yes.
Comment: In silico analysis supports that this missense variant has a deleterious effect on protein structure/function; Has not been previously published as pathogenic or benign to our knowledge

Labcorp Genetics (formerly Invitae), Labcorp
Classification: Uncertain significance. Last evaluated: 2022-11-01. Review status: criteria provided, single submitter. Criteria: Invitae Variant Classification Sherloc (09022015). Collection method: clinical testing. Allele origin: germline.
Comment: This sequence change replaces arginine, which is basic and polar, with histidine, which is basic and polar, at codon 847 of the LRP2 protein (p.Arg847His). This variant is present in population databases (rs537125368, gnomAD 0.1%). This variant has not been reported in the literature in individuals affected with LRP2-related conditions. ClinVar contains an entry for this variant (Variation ID: 684510). Algorithms developed to predict the effect of missense changes on protein structure and function output the following: SIFT: "Deleterious"; PolyPhen-2: "Benign"; Align-GVGD: "Class C0". The histidine amino acid residue is found in multiple mammalian species, which suggests that this missense change does not adversely affect protein function. In summary, the available evidence is currently insufficient to determine the role of this variant in disease. Therefore, it has been classified as a Variant of Uncertain Significance.

Ambry Genetics
Classification: Uncertain significance for Inborn genetic diseases. Last evaluated: 2022-10-12. Review status: criteria provided, single submitter. Criteria: Ambry Variant Classification Scheme 2023. Collection method: clinical testing. Allele origin: germline.

Illumina Laboratory Services, Illumina
Classification: Uncertain significance for Donnai-Barrow syndrome. Last evaluated: 2018-01-15. Review status: criteria provided, single submitter. Criteria: ICSL Variant Classification Criteria 13 December 2019. Collection method: clinical testing. Allele origin: germline.